The following is an entry in ClinVar:

ClinVar aggregate classification (germline): Uncertain significance (1 of 4 stars; one submission).

Conditions:
Emery-Dreifuss muscular dystrophy (EDMD). Also called: Scapuloperoneal syndrome, X-linked (formerly); Humeroperoneal neuromuscular disease, (formerly). Identifiers: Orphanet 261, MedGen C0410189, MONDO:0016830.

Allele frequency attached by ClinVar (database versions not stated): ExAC 0.00001; gnomAD 0.00002; gnomAD exomes 0.00002; TOPMed 0.00004.
gnomAD v4.1: 18 of 1,613,536 alleles (0.0011%); highest among the groups gnomAD compares: African/African-American, 0.0093%; no homozygotes.

Submission:

Labcorp Genetics (formerly Invitae), Labcorp
Classification: Uncertain significance for Emery-Dreifuss muscular dystrophy. Last evaluated: 2024-08-20. Review status: criteria provided, single submitter. Criteria: Invitae Variant Classification Sherloc (09022015). Collection method: clinical testing. Allele origin: germline.
Comment: This sequence change replaces threonine, which is neutral and polar, with methionine, which is neutral and non-polar, at codon 571 of the SUN2 protein (p.Thr571Met). This variant is present in population databases (rs752150588, gnomAD 0.008%). This variant has not been reported in the literature in individuals affected with SUN2-related conditions. ClinVar contains an entry for this variant (Variation ID: 566584). An algorithm developed to predict the effect of missense changes on protein structure and function (PolyPhen-2) suggests that this variant is likely to be disruptive. In summary, the available evidence is currently insufficient to determine the role of this variant in disease. Therefore, it has been classified as a Variant of Uncertain Significance.

NM_015374.3(SUN2):c.1712C>T (p.Thr571Met)

Genes: GTPBP1 (GTP binding protein 1; plus strand), SUN2 (Sad1 and UNC84 domain containing 2; minus strand). Cytogenetic location: 22q13.1.
Variant type: single nucleotide variant.
Coding change: c.1712C>T on transcript NM_015374.3 (MANE Select); coding-DNA position 1712, C replaced by T.
Protein change: p.Thr571Met; replaces threonine 571 with methionine.
Molecular consequence: missense variant.
Genome position (GRCh38, 1-based): chr22:38,738,940, G>A on the plus strand (C>T on the coding strand, the complement: SUN2 is on the minus strand). VCF-style: chr22-38738940-G-A. GRCh37 (hg19) VCF-style: chr22-39134945-G-A.
Other names: c.1775C>T, p.Thr592Met (NM_001199579.2); c.1712C>T, p.Thr571Met (NM_001199580.2); short protein forms T571M, T592M.
Identifiers: ClinVar variation 566584 (VCV000566584.10), dbSNP rs752150588, ClinGen allele CA10235449.